The following is an entry in ClinVar:

ClinVar aggregate classification (germline): Pathogenic/Likely pathogenic. Review status: criteria provided, multiple submitters, no conflicts (2 of 4 stars). 2 submissions from 2 submitters: Pathogenic (1); Likely pathogenic (1). Last evaluated 2025-04-09.

Conditions:
Late-infantile neuronal ceroid lipofuscinosis. Also called: Jansky-Bielschowsky disease. Identifiers: MedGen C0022340, MONDO:0015674.
Neuronal ceroid lipofuscinosis 7 (CLN7). Also called: MFSD8-Related Neuronal Ceroid-Lipofuscinosis. Identifiers: Orphanet 168491, Orphanet 228366, MedGen C1838571, MONDO:0012588, OMIM 610951.

Submissions (2):

Natera, Inc.
Classification: Likely pathogenic for Late-infantile neuronal ceroid lipofuscinosis. Last evaluated: 2025-04-09. Review status: criteria provided, single submitter. Criteria: Natera Variant Classification Schema (03/2026). Collection method: clinical testing. Allele origin: germline.
Comment: The c.1158_1167del variant in MFSD8 is a frameshift variant predicted to shift the reading frame beginning at codon 387 and leads to a stop codon 24 codons downstream. This variant is expected to result in nonsense mediated decay, truncation, or a dysfunctional protein product. This variant is rare in the general population with a frequency below the threshold expected for the associated phenotype(s). Given the available evidence, this variant is classified as Likely Pathogenic.

Labcorp Genetics (formerly Invitae), Labcorp
Classification: Pathogenic for Neuronal ceroid lipofuscinosis 7. Last evaluated: 2021-02-12. Review status: criteria provided, single submitter. Criteria: Invitae Variant Classification Sherloc (09022015). Collection method: clinical testing. Allele origin: germline.
Comment: This sequence change creates a premature translational stop signal (p.Trp387Glnfs*24) in the MFSD8 gene. It is expected to result in an absent or disrupted protein product. Loss-of-function variants in MFSD8 are known to be pathogenic (PMID: 19177532, 25227500, 28586915). This variant is not present in population databases (ExAC no frequency). This variant has not been reported in the literature in individuals with MFSD8-related conditions. For these reasons, this variant has been classified as Pathogenic.

Literature cited by the submitters: PubMed 19177532 (cited by Labcorp Genetics (formerly Invitae), Labcorp); PubMed 25227500 (cited by Labcorp Genetics (formerly Invitae), Labcorp); PubMed 28586915 (cited by Labcorp Genetics (formerly Invitae), Labcorp).

NM_001371596.2(MFSD8):c.1158_1167del (p.Trp387fs)

Gene: MFSD8 (major facilitator superfamily domain containing 8; minus strand). Cytogenetic location: 4q28.2.
Variant type: Deletion.
Coding change: c.1158_1167del on transcript NM_001371596.2 (MANE Select); coding-DNA positions 1158 to 1167, 10 bases deleted (TTGGAAGTCT; older notation c.1158_1167delTTGGAAGTCT).
Protein change: p.Trp387fs; shifts the reading frame from tryptophan 387.
Molecular consequence: frameshift variant.
Genome position (GRCh38, 1-based): chr4:127,921,707-127,921,716, AGACTTCCAA deleted on the plus strand (TTGGAAGTCT on the coding strand, the reverse complement: MFSD8 is on the minus strand); deleting any 10 consecutive bases within chr4:127,921,707-127,921,720 gives the same sequence; the c. name uses the placement nearest the transcript's 3' end. VCF-style (leftmost placement, unchanged base first): chr4-127921706-GAGACTTCCAA-G. GRCh37 (hg19) VCF-style: chr4-128842861-GAGACTTCCAA-G.
Other names: c.953_962delGTCTTTGGAA, p.Trp320Glnfs (NM_001363520.3); c.839_848delGTCTTTGGAA, p.Trp282Glnfs (NM_001363521.3); c.1019_1028delGTCTTTGGAA, p.Trp342Glnfs (NM_001371590.2); c.1154_1163delGTCTTTGGAA, p.Trp387Glnfs (NM_001371591.2); c.1160_1169delGTCTTTGGAA, p.Trp389Glnfs (NM_001371592.2); c.1040_1049delGTCTTTGGAA, p.Trp349Glnfs (NM_001371593.2); c.1007_1016delGTCTTTGGAA, p.Trp338Glnfs (NM_001371594.2); c.876_885del, p.Trp293fs (NM_001371595.1); and 4 more; short protein forms W293fs, W338fs, W342fs, W320fs, W387fs, W282fs, W349fs, W389fs.
Identifiers: ClinVar variation 1418701 (VCV001418701.10), dbSNP rs2148840216, ClinGen allele CA2573138008.